The following is an entry in ClinVar:

ClinVar aggregate classification (germline): Benign (1 of 4 stars; one submission).

Allele frequency attached by ClinVar (database versions not stated): gnomAD 0.41585.
gnomAD v4.1: 34,580 of 76,870 alleles (45%); highest among the groups gnomAD compares: Non-Finnish European, 50%; 7,960 homozygotes.

Submission:

GeneDx
Classification: Benign. Last evaluated: 2018-06-14. Review status: criteria provided, single submitter. Criteria: GeneDx Variant Classification (06012015). Collection method: clinical testing. Allele origin: germline. Affected: yes.
Comment: This variant is considered likely benign or benign based on one or more of the following criteria: it is a conservative change, it occurs at a poorly conserved position in the protein, it is predicted to be benign by multiple in silico algorithms, and/or has population frequency not consistent with disease.

NM_001244008.2(KIF1A):c.430-312T>C

Gene: KIF1A (kinesin family member 1A; minus strand). Cytogenetic location: 2q37.3.
Variant type: single nucleotide variant.
Coding change: c.430-312T>C on transcript NM_001244008.2 (MANE Select); 312 bases into the intron before coding-DNA position 430, T replaced by C.
Molecular consequence: intron variant.
Genome position (GRCh38, 1-based): chr2:240,786,825, A>G on the plus strand (T>C on the coding strand, the complement: KIF1A is on the minus strand). VCF-style: chr2-240786825-A-G. GRCh37 (hg19) VCF-style: chr2-241726242-A-G.
Other names: c.430-312T>C (NM_001379653.1, NM_001379650.1, NM_001379645.1 and 20 more transcripts).
Identifiers: ClinVar variation 669908 (VCV000669908.1), dbSNP rs4998254, ClinGen allele CA16131848.
Genomic context (GRCh38, chr2:240,786,825, plus strand): 5'-GGCCACCATCAGGACCCCTGAGTGAGGGGGTGGGGGCTGCCATCAGGACCCCTGAGTGAG[A>G]GGGTGGGGGCTGCCTGCTGAGCAGAGGGCTCCCAGTCTGCAGCCCCTGTGTGTATGTTCG-3'